The following is an entry in ClinVar:

ClinVar aggregate classification (germline): Uncertain significance (1 of 4 stars; one submission).

Allele frequency attached by ClinVar (database versions not stated): gnomAD 0.00003 and 0.00007; gnomAD exomes 0.00005 and 0.00013; ExAC 0.00009; TOPMed 0.00014; 1000 Genomes Project 30x 0.00031; 1000 Genomes Project 0.00040.
gnomAD v4.1: 89 of 1,579,066 alleles (0.0056%); highest among the groups gnomAD compares: East Asian, 0.12%; 1 homozygote.

Submission:

Labcorp Genetics (formerly Invitae), Labcorp
Classification: Uncertain significance. Last evaluated: 2022-10-04. Review status: criteria provided, single submitter. Criteria: Invitae Variant Classification Sherloc (09022015). Collection method: clinical testing. Allele origin: germline.
Comment: This sequence change replaces lysine, which is basic and polar, with glutamine, which is neutral and polar, at codon 428 of the IFNAR1 protein (p.Lys428Gln). This variant is present in population databases (rs563741878, gnomAD 0.1%). This variant has not been reported in the literature in individuals affected with IFNAR1-related conditions. ClinVar contains an entry for this variant (Variation ID: 1431963). Algorithms developed to predict the effect of missense changes on protein structure and function (SIFT, PolyPhen-2, Align-GVGD) all suggest that this variant is likely to be tolerated. In summary, the available evidence is currently insufficient to determine the role of this variant in disease. Therefore, it has been classified as a Variant of Uncertain Significance.

NM_000629.3(IFNAR1):c.1282A>C (p.Lys428Gln)

Gene: IFNAR1 (interferon alpha and beta receptor subunit 1; plus strand). Cytogenetic location: 21q22.11.
Variant type: single nucleotide variant.
Coding change: c.1282A>C on transcript NM_000629.3 (MANE Select); coding-DNA position 1282, A replaced by C.
Protein change: p.Lys428Gln; replaces lysine 428 with glutamine.
Molecular consequence: missense variant.
Genome position (GRCh38, 1-based): chr21:33,352,896, A>C. VCF-style: chr21-33352896-A-C. GRCh37 (hg19) VCF-style: chr21-34725202-A-C.
Other names: c.1282A>C, p.Lys428Gln (NM_001384498.1, NM_001384499.1, NM_001384503.1); c.520A>C, p.Lys174Gln (NM_001384500.1); c.1267A>C, p.Lys423Gln (NM_001384501.1); c.820A>C, p.Lys274Gln (NM_001384502.1); c.1075A>C, p.Lys359Gln (NM_001384504.1); short protein forms K423Q, K428Q, K174Q, K274Q, K359Q.
Identifiers: ClinVar variation 1431963 (VCV001431963.5), dbSNP rs563741878, ClinGen allele CA10006710.